The following is an entry in ClinVar:

ClinVar aggregate classification (germline): Uncertain significance. Review status: criteria provided, multiple submitters, no conflicts (2 of 4 stars). 2 submissions from 2 submitters: Uncertain significance (2). Last evaluated 2026-05-13.

Conditions:
A2ML1-related disorder. Also called: A2ML1-related condition.

Allele frequency attached by ClinVar (database versions not stated): gnomAD 0.00001; gnomAD exomes 0.00002 and 0.00004; TOPMed 0.00003; ExAC 0.00004.
gnomAD v4.1: 30 of 1,607,290 alleles (0.0019%); highest among the groups gnomAD compares: Admixed American, 0.0083%; no homozygotes.

Submissions (2):

PreventionGenetics, part of Exact Sciences
Classification: Uncertain significance for A2ML1-related condition. Last evaluated: 2026-05-13. Review status: criteria provided, single submitter. Criteria: ACMG Guidelines, 2015. Collection method: clinical testing. Allele origin: germline.
Comment: The A2ML1 c.4324+2T>C variant is predicted to disrupt the GT donor site and interfere with normal splicing. This variant is predicted to impact splicing based on available splicing prediction programs (SpliceAI, Jaganathan et al. 2019. PubMed ID: 30661751). To our knowledge, this variant has not been reported in the literature. This variant is reported in 0.019% of alleles in individuals of Ashkenazi Jewish descent in gnomAD. This variant is interpreted as not determined.

Labcorp Genetics (formerly Invitae), Labcorp
Classification: Uncertain significance. Last evaluated: 2025-02-22. Review status: criteria provided, single submitter. Criteria: Invitae Variant Classification Sherloc (09022015). Collection method: clinical testing. Allele origin: germline.
Comment: This sequence change affects a donor splice site in intron 34 of the A2ML1 gene. It is expected to disrupt RNA splicing. Variants that disrupt the donor or acceptor splice site typically lead to a loss of protein function (PMID: 16199547), however the current clinical and genetic evidence is not sufficient to establish whether loss-of-function variants in A2ML1 cause disease. This variant is present in population databases (rs755555630, gnomAD 0.03%). This variant has not been reported in the literature in individuals affected with A2ML1-related conditions. ClinVar contains an entry for this variant (Variation ID: 950705). Algorithms developed to predict the effect of sequence changes on RNA splicing suggest that this variant may disrupt the consensus splice site. In summary, the available evidence is currently insufficient to determine the role of this variant in disease. Therefore, it has been classified as a Variant of Uncertain Significance.

Literature cited by the submitters: PubMed 16199547 (cited by Labcorp Genetics (formerly Invitae), Labcorp).

NM_144670.6(A2ML1):c.4324+2T>C

Gene: A2ML1 (alpha-2-macroglobulin like 1; plus strand). Cytogenetic location: 12p13.31.
Variant type: single nucleotide variant.
Coding change: c.4324+2T>C on transcript NM_144670.6 (MANE Select); the canonical splice donor site of the intron after coding-DNA position 4324, T replaced by C.
Molecular consequence: splice donor variant.
Genome position (GRCh38, 1-based): chr12:8,874,529, T>C. VCF-style: chr12-8874529-T-C. GRCh37 (hg19) VCF-style: chr12-9027125-T-C.
Other names: c.2851+2T>C (NM_001282424.3); c.4324+2T>C (NM_144670.5).
Identifiers: ClinVar variation 950705 (VCV000950705.9), dbSNP rs755555630, ClinGen allele CA6436664.
Genomic context (GRCh38, chr12:8,874,529, plus strand): 5'-TGTGCTGGTCACCAACTTGAAACCAGCAACCATCAAGGTCTATGACTACTACCTACCAGG[T>C]GAGAGGGCTGAGCTGAAATGAGATCTGAGATCTTACCTGCATCTCCCAACTTACTTCTGC-3'